The following is an entry in ClinVar:

ClinVar aggregate classification (germline): Uncertain significance (1 of 4 stars; one submission).

Allele frequency attached by ClinVar (database versions not stated): gnomAD exomes 0.00002.
gnomAD v4.1: 16 of 1,614,030 alleles (0.00099%); highest among the groups gnomAD compares: Non-Finnish European, 0.0014%; no homozygotes.

Submission:

Labcorp Genetics (formerly Invitae), Labcorp
Classification: Uncertain significance. Last evaluated: 2025-12-03. Review status: criteria provided, single submitter. Criteria: Invitae Variant Classification Sherloc (09022015). Collection method: clinical testing. Allele origin: germline.
Comment: This sequence change replaces glutamic acid, which is acidic and polar, with lysine, which is basic and polar, at codon 289 of the UGT1A1 protein (p.Glu289Lys). This variant is not present in population databases (gnomAD no frequency). This variant has not been reported in the literature in individuals affected with UGT1A1-related conditions. ClinVar contains an entry for this variant (Variation ID: 1420137). An algorithm developed to predict the effect of missense changes on protein structure and function (PolyPhen-2) suggests that this variant is likely to be disruptive. In summary, the available evidence is currently insufficient to determine the role of this variant in disease. Therefore, it has been classified as a Variant of Uncertain Significance.

NM_000463.3(UGT1A1):c.865G>A (p.Glu289Lys)

Genes: UGT1A10 (UDP glucuronosyltransferase family 1 member A10; plus strand), UGT1A3 (UDP glucuronosyltransferase family 1 member A3; plus strand), UGT1A4 (UDP glucuronosyltransferase family 1 member A4; plus strand), UGT1A5 (UDP glucuronosyltransferase family 1 member A5; plus strand), UGT1A6 (UDP glucuronosyltransferase family 1 member A6; plus strand) and 5 more. Cytogenetic location: 2q37.1.
Variant type: single nucleotide variant.
Coding change: c.865G>A on transcript NM_000463.3 (MANE Select); coding-DNA position 865, G replaced by A.
Protein change: p.Glu289Lys; replaces glutamic acid 289 with lysine.
Molecular consequence: missense variant.
Genome position (GRCh38, 1-based): chr2:233,767,034, G>A. VCF-style: chr2-233767034-G-A. GRCh37 (hg19) VCF-style: chr2-234675680-G-A.
Other names: c.856G>A, p.Glu286Lys (NM_019075.4, NM_019076.5, NM_019077.3 and 1 more transcripts); c.862G>A, p.Glu288Lys (NM_001072.4); c.61G>A, p.Glu21Lys (NM_205862.3); c.868G>A, p.Glu290Lys (NM_019078.2, NM_007120.3, NM_019093.4); short protein forms E21K, E290K, E286K, E288K, E289K.
Identifiers: ClinVar variation 1420137 (VCV001420137.6), dbSNP rs1699312336, ClinGen allele CA351071578.